The following is an entry in ClinVar:

NM_000548.5(TSC2):c.563G>A (p.Ser188Asn)

Gene: TSC2 (TSC complex subunit 2; plus strand). Cytogenetic location: 16p13.3.
Variant type: single nucleotide variant.
Coding change: c.563G>A on transcript NM_000548.5 (MANE Select); coding-DNA position 563, G replaced by A.
Protein change: p.Ser188Asn; replaces serine 188 with asparagine.
Molecular consequence: missense variant. On other transcripts: intron variant (1).
Genome position (GRCh38, 1-based): chr16:2,055,483, G>A. VCF-style: chr16-2055483-G-A. GRCh37 (hg19) VCF-style: chr16-2105484-G-A.
Other names: c.563G>A, p.Ser188Asn (NM_001406665.1, NM_001406671.1, NM_001406673.1 and 8 more transcripts); c.653G>A, p.Ser218Asn (NM_001406667.1, NM_001406668.1); c.452G>A, p.Ser151Asn (NM_001406670.1, NM_001318827.2, NM_001406678.1); c.416G>A, p.Ser139Asn (NM_001406675.1, NM_001406676.1, NM_001318829.2 and 1 more transcripts); c.506G>A, p.Ser169Asn (NM_001406677.1); c.-857G>A (NM_001406696.1); c.-869G>A (NM_001406697.1, NM_001406689.1, NM_001406690.1 and 2 more transcripts); c.-1045G>A (NM_001406698.1); and 6 more; short protein forms S139N, S169N, S151N, S188N, S218N, S199N, S34N.
Identifiers: ClinVar variation 1748790 (VCV001748790.8), dbSNP rs2151060769, ClinGen allele CA394309587.
Genomic context (GRCh38, chr16:2,055,483, plus strand): 5'-TGGATGTTGGCTTGTCCTCGGAATTCCTTCTGGTGCTGGTGAACTTGGTCAAATTCAATA[G>A]CTGTTACCTCGACGAGTACATCGCAAGGATGGTTCAGTAAGAAAAGAATTGAGATCCTGT-3'
Protein context (NP_000539.2, residues 178-198): LVLVNLVKFN[Ser188Asn]CYLDEYIARM

ClinVar aggregate classification (germline): Uncertain significance. Review status: criteria provided, multiple submitters, no conflicts (2 of 4 stars). 2 submissions from 2 submitters: Uncertain significance (2). Last evaluated 2024-05-13.

Conditions:
Tuberous sclerosis 2 (TSC2). Identifiers: Orphanet 805, MedGen C1860707, MONDO:0013199, OMIM 613254.
Hereditary cancer-predisposing syndrome. Also called: Neoplastic Syndromes, Hereditary; Tumor predisposition; Hereditary Cancer Syndrome; Hereditary neoplastic syndrome. Identifiers: Orphanet 140162, MedGen C0027672, MeSH D009386, MONDO:0015356.

Submissions (2):

Ambry Genetics
Classification: Uncertain significance for Hereditary cancer-predisposing syndrome. Last evaluated: 2024-05-13. Review status: criteria provided, single submitter. Criteria: Ambry Variant Classification Scheme 2023. Collection method: clinical testing. Allele origin: germline.
Comment: The p.S188N variant (also known as c.563G>A), located in coding exon 5 of the TSC2 gene, results from a G to A substitution at nucleotide position 563. The serine at codon 188 is replaced by asparagine, an amino acid with highly similar properties. This amino acid position is highly conserved in available vertebrate species. In addition, the in silico prediction for this alteration is inconclusive. Since supporting evidence is limited at this time, the clinical significance of this alteration remains unclear.

Labcorp Genetics (formerly Invitae), Labcorp
Classification: Uncertain significance for Tuberous sclerosis 2. Last evaluated: 2023-02-08. Review status: criteria provided, single submitter. Criteria: Invitae Variant Classification Sherloc (09022015). Collection method: clinical testing. Allele origin: germline.
Comment: This variant is not present in population databases (gnomAD no frequency). In summary, the available evidence is currently insufficient to determine the role of this variant in disease. Therefore, it has been classified as a Variant of Uncertain Significance. Advanced modeling of protein sequence and biophysical properties (such as structural, functional, and spatial information, amino acid conservation, physicochemical variation, residue mobility, and thermodynamic stability) performed at Invitae indicates that this missense variant is not expected to disrupt TSC2 protein function. ClinVar contains an entry for this variant (Variation ID: 1748790). This variant has not been reported in the literature in individuals affected with TSC2-related conditions. This sequence change replaces serine, which is neutral and polar, with asparagine, which is neutral and polar, at codon 188 of the TSC2 protein (p.Ser188Asn).